The following is an entry in ClinVar:

ClinVar aggregate classification (germline): Likely pathogenic (1 of 4 stars; one submission).

Conditions:
Ververi-Brady syndrome. Identifiers: MedGen C4693824, MONDO:0979877, MONDO:0060707.

Submission:

Greenwood Genetic Center Diagnostic Laboratories, Greenwood Genetic Center
Classification: Likely pathogenic for Ververi-Brady syndrome 1. Last evaluated: 2024-02-14. Review status: criteria provided, single submitter. Criteria: ACMG Guidelines, 2015. Collection method: clinical testing. Allele origin: germline. Affected: yes.
Comment: PVS1, PM2

NM_198880.3(QRICH1):c.1147del (p.Leu383fs)

Gene: QRICH1 (glutamine rich 1; minus strand). Cytogenetic location: 3p21.31.
Variant type: Deletion.
Coding change: c.1147del on transcript NM_198880.3 (MANE Select); coding-DNA position 1147, one base deleted (C; older notation c.1147delC).
Protein change: p.Leu383fs; shifts the reading frame from leucine 383.
Molecular consequence: frameshift variant.
Genome position (GRCh38, 1-based): chr3:49,057,053, G deleted on the plus strand (C on the coding strand, the reverse complement: QRICH1 is on the minus strand). VCF-style (leftmost placement, unchanged base first): chr3-49057052-AG-A. GRCh37 (hg19) VCF-style: chr3-49094485-AG-A.
Other names: c.1147del, p.Leu383fs (NM_001320580.2, NM_001320581.2, NM_001320582.2 and 4 more transcripts); short protein forms L383fs.
Identifiers: ClinVar variation 3235741 (VCV003235741.1), dbSNP rs2471707459, ClinGen allele CA2825001249.